The following is an entry in ClinVar:

ClinVar aggregate classification (germline): Uncertain significance. Review status: criteria provided, multiple submitters, no conflicts (2 of 4 stars). 2 submissions from 2 submitters: Uncertain significance (2). Last evaluated 2024-10-30.

Conditions:
Congenital myopathy with internal nuclei and atypical cores. Also called: Myopathy, centronuclear, 4. Identifiers: Orphanet 319160, MedGen C4707232, MONDO:0013890, OMIM 614807.

Allele frequency attached by ClinVar (database versions not stated): gnomAD exomes below 0.00001; ExAC 0.00001.

Submissions (2):

Revvity Omics, Revvity
Classification: Uncertain significance for Congenital myopathy with internal nuclei and atypical cores. Last evaluated: 2024-10-30. Review status: criteria provided, single submitter. Criteria: ACMG Guidelines, 2015. Collection method: clinical testing. Allele origin: germline.

Labcorp Genetics (formerly Invitae), Labcorp
Classification: Uncertain significance for Congenital myopathy with internal nuclei and atypical cores. Last evaluated: 2022-11-19. Review status: criteria provided, single submitter. Criteria: Invitae Variant Classification Sherloc (09022015). Collection method: clinical testing. Allele origin: germline.
Comment: This sequence change replaces leucine, which is neutral and non-polar, with phenylalanine, which is neutral and non-polar, at codon 392 of the CCDC78 protein (p.Leu392Phe). This variant is present in population databases (rs750365313, gnomAD 0.003%). This variant has not been reported in the literature in individuals affected with CCDC78-related conditions. Advanced modeling of protein sequence and biophysical properties (such as structural, functional, and spatial information, amino acid conservation, physicochemical variation, residue mobility, and thermodynamic stability) has been performed at Invitae for this missense variant, however the output from this modeling did not meet the statistical confidence thresholds required to predict the impact of this variant on CCDC78 protein function. In summary, the available evidence is currently insufficient to determine the role of this variant in disease. Therefore, it has been classified as a Variant of Uncertain Significance.

NM_001378030.1(CCDC78):c.1174C>T (p.Leu392Phe)

Gene: CCDC78 (coiled-coil domain containing 78; minus strand). Cytogenetic location: 16p13.3.
Variant type: single nucleotide variant.
Coding change: c.1174C>T on transcript NM_001378030.1 (MANE Select); coding-DNA position 1174, C replaced by T.
Protein change: p.Leu392Phe; replaces leucine 392 with phenylalanine.
Molecular consequence: missense variant. On other transcripts: non-coding transcript variant (5).
Genome position (GRCh38, 1-based): chr16:723,121, G>A on the plus strand (C>T on the coding strand, the complement: CCDC78 is on the minus strand). VCF-style: chr16-723121-G-A. GRCh37 (hg19) VCF-style: chr16-773121-G-A.
Other names: c.1174C>T, p.Leu392Phe (NM_001031737.3); c.994C>T, p.Leu332Phe (NM_001378031.1); c.607C>T, p.Leu203Phe (NM_001378033.1); short protein forms L332F, L392F, L203F.
Identifiers: ClinVar variation 2815250 (VCV002815250.4), dbSNP rs750365313, ClinGen allele CA7789146.
Genomic context (GRCh38, chr16:723,121, plus strand): 5'-TGAGGATGGGCCTGGGCCAGCCCTTGCCTCCTACCTGGGTGCTGCGGGAGAAGTCCCGGA[G>A]CTTCTGGTGGATCTGGGCCCAGGATGCAGCGTCCAGGCCCCTGTGAGGGGAGAGGAAAGG-3'
Protein context (NP_001364959.1, residues 382-402): AASWAQIHQK[Leu392Phe]RDFSRSTQAE